The following is an entry in ClinVar:

ClinVar aggregate classification (germline): Uncertain significance (1 of 4 stars; one submission).

Submission:

Labcorp Genetics (formerly Invitae), Labcorp
Classification: Uncertain significance. Last evaluated: 2024-05-04. Review status: criteria provided, single submitter. Criteria: Invitae Variant Classification Sherloc (09022015). Collection method: clinical testing. Allele origin: germline.
Comment: This sequence change replaces lysine, which is basic and polar, with arginine, which is basic and polar, at codon 960 of the FLNB protein (p.Lys960Arg). This variant is not present in population databases (gnomAD no frequency). This variant has not been reported in the literature in individuals affected with FLNB-related conditions. ClinVar contains an entry for this variant (Variation ID: 1433648). Advanced modeling of protein sequence and biophysical properties (such as structural, functional, and spatial information, amino acid conservation, physicochemical variation, residue mobility, and thermodynamic stability) performed at Invitae indicates that this missense variant is not expected to disrupt FLNB protein function with a negative predictive value of 95%. In summary, the available evidence is currently insufficient to determine the role of this variant in disease. Therefore, it has been classified as a Variant of Uncertain Significance.

NM_001457.4(FLNB):c.2879A>G (p.Lys960Arg)

Gene: FLNB (filamin B; plus strand). Cytogenetic location: 3p14.3.
Variant type: single nucleotide variant.
Coding change: c.2879A>G on transcript NM_001457.4 (MANE Select); coding-DNA position 2879, A replaced by G.
Protein change: p.Lys960Arg; replaces lysine 960 with arginine.
Molecular consequence: missense variant.
Genome position (GRCh38, 1-based): chr3:58,121,256, A>G. VCF-style: chr3-58121256-A-G. GRCh37 (hg19) VCF-style: chr3-58106983-A-G.
Other names: c.2879A>G, p.Lys960Arg (NM_001164317.2, NM_001164318.2, NM_001164319.2); short protein forms K960R.
Identifiers: ClinVar variation 1433648 (VCV001433648.8), dbSNP rs2107166981, ClinGen allele CA353347231.
Genomic context (GRCh38, chr3:58,121,256, plus strand): 5'-CTGAAAAGGGTCAGCTCTTCACCTCAGCTTGTGTTTCTTTTCCAGGGGTGGAAGTTGGGA[A>G]GGATCAGGAGTTCACCGTTGATACCAGGGGGGCAGGAGGCCAGGGGAAGCTGGACGTGAC-3'
Protein context (NP_001448.2, residues 950-970): NGLENRVEVG[Lys960Arg]DQEFTVDTRG